The following is an entry in ClinVar:

NM_152641.4(ARID2):c.415del (p.Ser139fs)

Gene: ARID2 (AT-rich interaction domain 2; plus strand). Cytogenetic location: 12q12.
Variant type: Deletion.
Coding change: c.415del on transcript NM_152641.4 (MANE Select); coding-DNA position 415, one base deleted (T; older notation c.415delT).
Protein change: p.Ser139fs; shifts the reading frame from serine 139.
Molecular consequence: frameshift variant.
Genome position (GRCh38, 1-based): chr12:45,811,548, T deleted. VCF-style (leftmost placement, unchanged base first): chr12-45811547-GT-G. GRCh37 (hg19) VCF-style: chr12-46205330-GT-G.
Other names: c.415del, p.Ser139fs (NM_001347839.2); short protein forms S139fs.
Identifiers: ClinVar variation 504143 (VCV000504143.2), dbSNP rs1555148625, ClinGen allele CA658797893.

ClinVar aggregate classification (germline): Pathogenic (1 of 4 stars; one submission).

Submission:

GeneDx
Classification: Pathogenic. Last evaluated: 2018-01-29. Review status: criteria provided, single submitter. Criteria: GeneDx Variant Classification (06012015). Collection method: clinical testing. Allele origin: germline. Affected: yes.
Comment: The c.415delT variant in the ARID2 gene has not been reported previously as a pathogenic variant nor as a benign variant, to our knowledge. The c.415delT variant causes a frameshift starting with codon Serine 139, changes this amino acid to an Arginine residue, and creates a premature Stop codon at position 76 of the new reading frame, denoted p.Ser139ArgfsX76. This variant is predicted to cause loss of normal protein function either through protein truncation or nonsense-mediated mRNA decay. The c.415delT variant is not observed in large population cohorts (Lek et al., 2016). We interpret c.415delT as a pathogenic variant.